The following is an entry in ClinVar:

NM_000179.3(MSH6):c.207GAA[3] (p.Lys70dup)

Gene: MSH6 (mutS homolog 6; plus strand). Cytogenetic location: 2p16.3.
Variant type: Microsatellite.
Coding change: c.207GAA[3] on transcript NM_000179.3 (MANE Select); three copies in a row of the 3-base unit GAA starting at c.207; the reference has two copies in a row; one copy, 3 bases duplicated; also written c.210_212dup.
Protein change: p.Lys70dup; duplicates lysine 70.
Molecular consequence: inframe insertion. On other transcripts: 5 prime UTR variant (1).
Genome position (GRCh38, 1-based): chr2:47,783,443-47,783,445, GAA duplicated; duplicating any 3 consecutive bases within chr2:47,783,440-47,783,445 gives the same sequence; the position shown is the placement nearest the transcript's 3' end. VCF-style (leftmost placement, unchanged base first): chr2-47783439-C-CGAA. GRCh37 (hg19) VCF-style: chr2-48010578-C-CGAA.
Other names: c.207GAA[3], p.Lys70dup (NM_001281492.2); c.-530GAA[3] (NM_001281493.2); c.210_212dup (NM_000179.2).
Identifiers: ClinVar variation 455176 (VCV000455176.21), dbSNP rs1553408369, ClinGen allele CA658655655.

ClinVar aggregate classification (germline): Uncertain significance. Review status: criteria provided, multiple submitters, no conflicts (2 of 4 stars). 5 submissions from 5 submitters: Uncertain significance (5). Last evaluated 2025-10-02.

Conditions:
Endometrial carcinoma. Also called: Endometrial carcinoma, somatic. Identifiers: MedGen C0476089, MONDO:0002447, OMIM 608089, HP:0012114.
Lynch syndrome 5 (LYNCH5). Also called: Hereditary non-polyposis colorectal cancer, type 5; Colorectal cancer, hereditary nonpolyposis, type 5. Identifiers: Orphanet 144, MedGen C1833477, MONDO:0013710, OMIM 614350. Disease mechanism: loss of function.
Mismatch repair cancer syndrome 3. Identifiers: MedGen C5436807, MONDO:0030841, OMIM 619097.
Hereditary nonpolyposis colorectal neoplasms. Identifiers: MedGen C0009405, MeSH D003123.
Hereditary cancer-predisposing syndrome. Also called: Hereditary Cancer Syndrome; Hereditary neoplastic syndrome; Neoplastic Syndromes, Hereditary; Tumor predisposition. Identifiers: Orphanet 140162, MedGen C0027672, MeSH D009386, MONDO:0015356.

Submissions (5):

Labcorp Genetics (formerly Invitae), Labcorp
Classification: Uncertain significance for Hereditary nonpolyposis colorectal neoplasms. Last evaluated: 2025-10-02. Review status: criteria provided, single submitter. Criteria: Invitae Variant Classification Sherloc (09022015). Collection method: clinical testing. Allele origin: germline.
Comment: This variant, c.210_212dup, results in the insertion of 1 amino acid(s) of the MSH6 protein (p.Lys70dup), but otherwise preserves the integrity of the reading frame. This variant is not present in population databases (gnomAD no frequency). This variant has not been reported in the literature in individuals affected with MSH6-related conditions. ClinVar contains an entry for this variant (Variation ID: 455176). Experimental studies and prediction algorithms are not available or were not evaluated, and the functional significance of this variant is currently unknown. In summary, the available evidence is currently insufficient to determine the role of this variant in disease. Therefore, it has been classified as a Variant of Uncertain Significance.

Ambry Genetics
Classification: Uncertain significance for Hereditary cancer-predisposing syndrome. Last evaluated: 2024-11-15. Review status: criteria provided, single submitter. Criteria: Ambry Variant Classification Scheme 2023. Collection method: clinical testing. Allele origin: germline.
Comment: The c.210_212dupGAA variant (also known as p.K70dup), located in coding exon 1 of the MSH6 gene, results from an in-frame duplication of GAA at nucleotide positions 210 to 212. This results in the duplication of an extra lysine residue between codons 70 and 71. This amino acid position is not well conserved in available vertebrate species. In addition, this alteration is predicted to be neutral by in silico analysis (Choi Y et al. PLoS ONE. 2012; 7(10):e46688). Based on the available evidence, the clinical significance of this variant remains unclear.

Department of Pathology and Laboratory Medicine, Sinai Health System
Classification: Uncertain significance for Endometrial carcinoma; Lynch syndrome 5; Mismatch repair cancer syndrome 3. Last evaluated: 2020-11-17. Review status: criteria provided, single submitter. Criteria: ACMG Guidelines, 2015. Collection method: clinical testing. Allele origin: germline.

GeneDx
Classification: Uncertain significance. Last evaluated: 2019-05-15. Review status: criteria provided, single submitter. Criteria: GeneDx Variant Classification Process June 2021. Collection method: clinical testing. Allele origin: germline. Affected: yes.
Comment: Not observed in large population cohorts (Lek et al., 2016); In-frame duplication of one amino acids in a non-repeat region; Has not been previously published as pathogenic or benign to our knowledge

Color Diagnostics, LLC DBA Color Health
Classification: Uncertain significance for Hereditary cancer-predisposing syndrome. Last evaluated: 2018-07-31. Review status: criteria provided, single submitter. Criteria: ACMG Guidelines, 2015. Collection method: clinical testing. Allele origin: germline.

Literature cited by the submitters: PubMed 23056405 (cited by Ambry Genetics).